The following is an entry in ClinVar:

NM_004863.4(SPTLC2):c.*2749A>C

Gene: SPTLC2 (serine palmitoyltransferase long chain base subunit 2; minus strand). Cytogenetic location: 14q24.3.
Variant type: single nucleotide variant.
Coding change: c.*2749A>C on transcript NM_004863.4 (MANE Select); 2749 bases downstream of the stop codon, A replaced by C.
Molecular consequence: 3 prime UTR variant.
Genome position (GRCh38, 1-based): chr14:77,509,535, T>G on the plus strand (A>C on the coding strand, the complement: SPTLC2 is on the minus strand). VCF-style: chr14-77509535-T-G. GRCh37 (hg19) VCF-style: chr14-77975878-T-G.
Identifiers: ClinVar variation 314620 (VCV000314620.5), dbSNP rs138960830, ClinGen allele CA10646380.

ClinVar aggregate classification (germline): Benign (1 of 4 stars; one submission).

Conditions:
Neuropathy, hereditary sensory and autonomic, type 1C. Also called: HSAN IC; HSN IC. Identifiers: Orphanet 36386, MedGen C3150896, MONDO:0013337, OMIM 613640.

Allele frequency attached by ClinVar (database versions not stated): 1000 Genomes Project 0.00120; 1000 Genomes Project 30x 0.00156; gnomAD 0.00209 and 0.00215; gnomAD exomes 0.00235; TOPMed 0.00237.
gnomAD v4.1: 460 of 209,634 alleles (0.22%); highest among the groups gnomAD compares: Non-Finnish European, 0.34%; no homozygotes.

Submission:

Illumina Laboratory Services, Illumina
Classification: Benign for Neuropathy, hereditary sensory and autonomic, type 1C. Last evaluated: 2018-01-13. Review status: criteria provided, single submitter. Criteria: ICSL Variant Classification Criteria 13 December 2019. Collection method: clinical testing. Allele origin: germline.
Comment: This variant was observed in the ICSL laboratory as part of a predisposition screen in an ostensibly healthy population. It had not been previously curated by ICSL or reported in the Human Gene Mutation Database (HGMD: prior to June 1st, 2018), and was therefore a candidate for classification through an automated scoring system. Utilizing variant allele frequency, disease prevalence and penetrance estimates, and inheritance mode, an automated score was calculated to assess if this variant is too frequent to cause the disease. Based on the score and internal cut-off values, a variant classified as benign is not then subjected to further curation. The score for this variant resulted in a classification of benign for this disease.